The following is an entry in ClinVar:

NM_001161352.2(KCNMA1):c.378+334C>T

Gene: KCNMA1 (potassium calcium-activated channel subfamily M alpha 1; minus strand). Cytogenetic location: 10q22.3.
Variant type: single nucleotide variant.
Coding change: c.378+334C>T on transcript NM_001161352.2 (MANE Select); 334 bases into the intron after coding-DNA position 378, C replaced by T.
Molecular consequence: intron variant. On other transcripts: missense variant (2).
Genome position (GRCh38, 1-based): chr10:77,636,931, G>A on the plus strand (C>T on the coding strand, the complement: KCNMA1 is on the minus strand). VCF-style: chr10-77636931-G-A. GRCh37 (hg19) VCF-style: chr10-79396689-G-A.
Other names: c.454C>T, p.Pro152Ser (NM_001271520.2, NM_001322839.2); c.378+334C>T (NM_001271518.2, NM_001322832.2, NM_001410940.1 and 11 more transcripts); c.454C>T (NM_001322839.1); short protein forms P152S.
Identifiers: ClinVar variation 3371591 (VCV003371591.3).
Genomic context (GRCh38, chr10:77,636,931, plus strand): 5'-GGTGAGCGGTGCAAAACACGCACCCAGCTGCCCCCAGCTTCCTCCGTCCCCGCTGAGTTG[G>A]CTGTCCCCACCCCGCACCACGGCACCCGAGCCTGTGAGTCCCCGACCCCGGCCCCAGCCG-3'

ClinVar aggregate classification (germline): Uncertain significance. Review status: criteria provided, multiple submitters, no conflicts (2 of 4 stars). 2 submissions from 2 submitters: Uncertain significance (2). Last evaluated 2026-08-11.

Conditions:
KCNMA1-related disorder. Also called: KCNMA1-related disorders; KCNMA1-related condition.

Submissions (2):

GeneDx
Classification: Uncertain significance. Last evaluated: 2026-08-11. Review status: criteria provided, single submitter. Criteria: GeneDx Variant Classification Process June 2021. Collection method: clinical testing. Allele origin: germline.
Comment: In silico analysis suggests that this variant does not alter splicing; No data available from control populations to assess the frequency of this variant; Has not been previously published as pathogenic or benign to our knowledge; Reported using an alternate transcript of the gene

PreventionGenetics, part of Exact Sciences
Classification: Uncertain significance for KCNMA1-related condition. Last evaluated: 2026-02-11. Review status: criteria provided, single submitter. Criteria: ACMG Guidelines, 2015. Collection method: clinical testing. Allele origin: germline.
Comment: The KCNMA1 c.454C>T variant is predicted to result in the amino acid substitution p.Pro152Ser. To our knowledge, this variant has not been reported in the literature or in a large population database, indicating this variant is rare. Of note, this variant is located in an alternate transcript, in the canonical transcript (NM_002247.3) this variant is intronic (c.378+334C>T). At this time, the clinical significance of this variant is uncertain due to the absence of conclusive functional and genetic evidence.